The following is an entry in ClinVar:

NM_000138.5(FBN1):c.5174T>C (p.Ile1725Thr)

Gene: FBN1 (fibrillin 1; minus strand). Cytogenetic location: 15q21.1.
Variant type: single nucleotide variant.
Coding change: c.5174T>C on transcript NM_000138.5 (MANE Select); coding-DNA position 5174, T replaced by C.
Protein change: p.Ile1725Thr; replaces isoleucine 1725 with threonine.
Molecular consequence: missense variant.
Genome position (GRCh38, 1-based): chr15:48,463,132, A>G on the plus strand (T>C on the coding strand, the complement: FBN1 is on the minus strand). VCF-style: chr15-48463132-A-G. GRCh37 (hg19) VCF-style: chr15-48755329-A-G.
Other names: c.5174T>C, p.Ile1725Thr (NM_001406716.1); short protein forms I1725T.
Identifiers: ClinVar variation 3600760 (VCV003600760.2).

ClinVar aggregate classification (germline): Uncertain significance. Review status: criteria provided, multiple submitters, no conflicts (2 of 4 stars). 2 submissions from 2 submitters: Uncertain significance (2). Last evaluated 2025-01-12.

Conditions:
FBN1-related disorder. Also called: FBN1-related disorders.

gnomAD v4.1: 2 of 1,614,144 alleles (0.00012%); highest among the groups gnomAD compares: Non-Finnish European, 0.00017%; no homozygotes.

Submissions (2):

PreventionGenetics, part of Exact Sciences
Classification: Uncertain significance for FBN1-related condition. Last evaluated: 2025-01-12. Review status: criteria provided, single submitter. Criteria: ACMG Guidelines, 2015. Collection method: clinical testing. Allele origin: germline.
Comment: The FBN1 c.5174T>C variant is predicted to result in the amino acid substitution p.Ile1725Thr. To our knowledge, this variant has not been reported in the literature or in a large population database (gnomAD), indicating this variant is rare. At different missense variant impacting the same amino acid residue (p.Ile1725Asn) has been reported in a patient with a skeletal abnormality (Table S1, Chen et al. 2022. PubMed ID: 35250876). At this time, the clinical significance of this variant is uncertain due to the absence of conclusive functional and genetic evidence.

GeneDx
Classification: Uncertain significance. Last evaluated: 2024-07-22. Review status: criteria provided, single submitter. Criteria: GeneDx Variant Classification Process June 2021. Collection method: clinical testing. Allele origin: germline. Affected: yes.
Comment: Not observed at significant frequency in large population cohorts (gnomAD); In silico analysis supports that this missense variant has a deleterious effect on protein structure/function; Has not been previously published as pathogenic or benign to our knowledge; Does not affect a cysteine or calcium-binding residue within an EGF-like domain or a TGF-binding protein domain of the FBN1 gene; cysteine substitutions in the EGF-like domains represent the majority of pathogenic missense changes associated with FBN1-related disorders (PMID: 12938084); This variant is associated with the following publications: (PMID: 12938084)